The following is an entry in ClinVar:

NM_001457.4(FLNB):c.6772+4T>C

Gene: FLNB (filamin B; plus strand). Cytogenetic location: 3p14.3.
Variant type: single nucleotide variant.
Coding change: c.6772+4T>C on transcript NM_001457.4 (MANE Select); 4 bases into the intron after coding-DNA position 6772, T replaced by C.
Molecular consequence: intron variant.
Genome position (GRCh38, 1-based): chr3:58,154,932, T>C. VCF-style: chr3-58154932-T-C. GRCh37 (hg19) VCF-style: chr3-58140659-T-C.
Other names: c.6865+4T>C (NM_001164317.2); c.6739+4T>C (NM_001164318.2); c.6700+4T>C (NM_001164319.2).
Identifiers: ClinVar variation 1402453 (VCV001402453.6), dbSNP rs188953725, ClinGen allele CA2469484.

ClinVar aggregate classification (germline): Uncertain significance (1 of 4 stars; one submission).

Allele frequency attached by ClinVar (database versions not stated): ExAC 0.00002; TOPMed 0.00002; gnomAD 0.00003; gnomAD exomes 0.00004; 1000 Genomes Project 30x 0.00016; 1000 Genomes Project 0.00020.
gnomAD v4.1: 70 of 1,613,396 alleles (0.0043%); highest among the groups gnomAD compares: Non-Finnish European, 0.0054%; no homozygotes.

Submission:

Labcorp Genetics (formerly Invitae), Labcorp
Classification: Uncertain significance. Last evaluated: 2025-01-20. Review status: criteria provided, single submitter. Criteria: Invitae Variant Classification Sherloc (09022015). Collection method: clinical testing. Allele origin: germline.
Comment: This sequence change falls in intron 40 of the FLNB gene. It does not directly change the encoded amino acid sequence of the FLNB protein. It affects a nucleotide within the consensus splice site. This variant is present in population databases (rs188953725, gnomAD 0.008%). This variant has not been reported in the literature in individuals affected with FLNB-related conditions. ClinVar contains an entry for this variant (Variation ID: 1402453). Variants that disrupt the consensus splice site are a relatively common cause of aberrant splicing (PMID: 17576681, 9536098). Algorithms developed to predict the effect of sequence changes on RNA splicing suggest that this variant is not likely to affect RNA splicing. In summary, the available evidence is currently insufficient to determine the role of this variant in disease. Therefore, it has been classified as a Variant of Uncertain Significance.

Literature cited by the submitters: PubMed 17576681; PubMed 9536098.